The following is an entry in ClinVar:

ClinVar aggregate classification (germline): Pathogenic (3 of 4 stars; one submission).

Conditions:
Creatine transporter deficiency (CCDS1). Also called: Mental retardation , X-linked with seizures, short stature and midface hypoplasia; Mental retardation , X-linked, with creatine transport deficiency; X-linked creatine transporter deficiency; X-linked creatine deficiency syndrome; SLC6A8-Related Creatine Transporter Deficiency; CREATINE TRANSPORTER DEFECT. Identifiers: Orphanet 52503, MedGen C1845862, MONDO:0010305, OMIM 300352.

Submission:

ClinGen Cerebral Creatine Deficiency Syndromes Variant Curation Expert Panel, ClinGen
Classification: Pathogenic for Creatine transporter deficiency. Last evaluated: 2024-02-22. Review status: reviewed by expert panel. Criteria: ClinGen_CCDS_ACMG_Specifications_SLC6A8_v1.1. Collection method: curation. Allele origin: germline. Inheritance: X-linked inheritance.
Comment: The NM_005629.4:c.1324del (p.Gln442LysfsTer21) variant in SLC6A8 is a frameshift variant predicted to cause a premature stop codon in biologically-relevant-exon 9 of 13, leading to nonsense mediated decay in a gene in which loss-of-function is an established disease mechanism (PVS1). (PMID: 29478817) (PP4). The variant is absent in gnomAD v2.1.1. (PM2_Supporting). There is no ClinVar entry for this variant. In summary, this variant meets the criteria to be classified as pathogenic for creatine transporter deficiency. SLC6A8-specific criteria applied, as specified by the ClinGen CCDS VCEP (Specifications Version 1.1.0): PVS1, PP4, PM2_Supporting. (Classification approved by the ClinGen Cerebral Creatine Deficiency Syndromes Variant Curation Expert Panel on February 22, 2024)

NM_005629.4(SLC6A8):c.1324del (p.Gln442fs)

Gene: SLC6A8 (solute carrier family 6 member 8; plus strand). Cytogenetic location: Xq28.
Variant type: Deletion.
Coding change: c.1324del on transcript NM_005629.4 (MANE Select); coding-DNA position 1324, one base deleted (C; older notation c.1324delC).
Protein change: p.Gln442fs; shifts the reading frame from glutamine 442.
Molecular consequence: frameshift variant.
Genome position (GRCh38, 1-based): chrX:153,694,199, C deleted; the last of 2 consecutive C bases (chrX:153,694,198-153,694,199); deleting either gives the same sequence. VCF-style (leftmost placement, unchanged base first): chrX-153694197-TC-T. GRCh37 (hg19) VCF-style: chrX-152959652-TC-T.
Other names: NM_001142805.2:c.1294del; c.1294del, p.Gln432fs (NM_001142805.2); c.979del, p.Gln327fs (NM_001142806.1); short protein forms Q327fs, Q432fs, Q442fs.
Identifiers: ClinVar variation 3066443 (VCV003066443.1), dbSNP rs2522166546, ClinGen allele CA2580617569.
Genomic context (GRCh38, chrX:153,694,197, plus strand): 5'-GTGTGGAGGGCTTCATCACCGGCCTCCTCGACCTCCTCCCGGCCTCCTACTACTTCCGTT[TC>T]CAAAGGGAGATCTCTGTGGCCCTCTGTTGTGCCCTCTGCTTTGTCATCGATCTCTCCATG-3'